The following is an entry in ClinVar:

NM_004447.6(EPS8):c.1321A>G (p.Met441Val)

Gene: EPS8 (EGFR pathway substrate 8, signaling adaptor; minus strand). Cytogenetic location: 12p12.3.
Variant type: single nucleotide variant.
Coding change: c.1321A>G on transcript NM_004447.6 (MANE Select); coding-DNA position 1321, A replaced by G.
Protein change: p.Met441Val; replaces methionine 441 with valine.
Molecular consequence: missense variant. On other transcripts: non-coding transcript variant (3).
Genome position (GRCh38, 1-based): chr12:15,650,936, T>C on the plus strand (A>G on the coding strand, the complement: EPS8 is on the minus strand). VCF-style: chr12-15650936-T-C. GRCh37 (hg19) VCF-style: chr12-15803870-T-C.
Other names: c.1321A>G, p.Met441Val (NM_001413831.1, NM_001413832.1, NM_001413833.1 and 2 more transcripts); c.1081A>G, p.Met361Val (NM_001413835.1, NM_001413836.1); c.904A>G, p.Met302Val (NM_001413837.1); c.541A>G, p.Met181Val (NM_001413838.1); short protein forms M181V, M302V, M361V, M441V.
Identifiers: ClinVar variation 2662933 (VCV002662933.3), dbSNP rs375337854, ClinGen allele CA6467601.

ClinVar aggregate classification (germline): Uncertain significance. Review status: criteria provided, multiple submitters, no conflicts (2 of 4 stars). 2 submissions from 2 submitters: Uncertain significance (2). Last evaluated 2025-10-08.

Conditions:
Inborn genetic diseases. Identifiers: MedGen C0950123, MeSH D030342.

Allele frequency attached by ClinVar (database versions not stated): ESP Exome Variant Server 0.00008; gnomAD 0.00008; TOPMed 0.00005.
gnomAD v4.1: 60 of 1,613,974 alleles (0.0037%); highest among the groups gnomAD compares: Middle Eastern, 0.033%; no homozygotes.

Submissions (2):

Ambry Genetics
Classification: Uncertain significance for Inborn genetic diseases. Last evaluated: 2025-10-08. Review status: criteria provided, single submitter. Criteria: Ambry Variant Classification Scheme 2023. Collection method: clinical testing. Allele origin: germline.

GeneDx
Classification: Uncertain significance. Last evaluated: 2025-04-03. Review status: criteria provided, single submitter. Criteria: GeneDx Variant Classification Process June 2021. Collection method: clinical testing. Allele origin: germline.
Comment: In silico analysis indicates that this missense variant does not alter protein structure/function; Has not been previously published as pathogenic or benign to our knowledge